The following is an entry in ClinVar:

ClinVar aggregate classification (germline): Pathogenic (1 of 4 stars; one submission).

Allele frequency attached by ClinVar (database versions not stated): gnomAD 0.00001; gnomAD exomes 0.00001; ExAC 0.00002; TOPMed 0.00003.
gnomAD v4.1: 6 of 1,614,006 alleles (0.00037%); highest among the groups gnomAD compares: East Asian, 0.0022%; no homozygotes.

Submission:

Labcorp Genetics (formerly Invitae), Labcorp
Classification: Pathogenic. Last evaluated: 2024-02-24. Review status: criteria provided, single submitter. Criteria: Invitae Variant Classification Sherloc (09022015). Collection method: clinical testing. Allele origin: germline.
Comment: This sequence change creates a premature translational stop signal (p.Arg1528*) in the CUL7 gene. It is expected to result in an absent or disrupted protein product. Loss-of-function variants in CUL7 are known to be pathogenic (PMID: 16142236, 17675530, 19225462). This variant is present in population databases (rs762714074, gnomAD 0.004%). This variant has not been reported in the literature in individuals affected with CUL7-related conditions. ClinVar contains an entry for this variant (Variation ID: 1383786). For these reasons, this variant has been classified as Pathogenic.

Literature cited by the submitters: PubMed 16142236; PubMed 17675530; PubMed 19225462.

NM_014780.5(CUL7):c.4582C>T (p.Arg1528Ter)

Gene: CUL7 (cullin 7; minus strand). Cytogenetic location: 6p21.1.
Variant type: single nucleotide variant.
Coding change: c.4582C>T on transcript NM_014780.5 (MANE Select); coding-DNA position 4582, C replaced by T.
Protein change: p.Arg1528Ter; replaces arginine 1528 with a stop codon.
Molecular consequence: nonsense.
Genome position (GRCh38, 1-based): chr6:43,038,458, G>A on the plus strand (C>T on the coding strand, the complement: CUL7 is on the minus strand). VCF-style: chr6-43038458-G-A. GRCh37 (hg19) VCF-style: chr6-43006196-G-A.
Other names: c.4678C>T, p.Arg1560Ter (NM_001168370.2, NM_001374872.1); c.4594C>T, p.Arg1532Ter (NM_001374873.1); c.4579C>T, p.Arg1527Ter (NM_001374874.1); short protein forms R1527*, R1532*, R1560*, R1528*.
Identifiers: ClinVar variation 1383786 (VCV001383786.6), dbSNP rs762714074, ClinGen allele CA3813160.